The following is an entry in ClinVar:

ClinVar aggregate classification (germline): Uncertain significance. Review status: criteria provided, multiple submitters, no conflicts (2 of 4 stars). 2 submissions from 2 submitters: Uncertain significance (2). Last evaluated 2025-04-21.

Conditions:
Hereditary cancer-predisposing syndrome. Also called: Tumor predisposition; Neoplastic Syndromes, Hereditary; Hereditary neoplastic syndrome; Hereditary Cancer Syndrome. Identifiers: Orphanet 140162, MedGen C0027672, MeSH D009386, MONDO:0015356.

Allele frequency attached by ClinVar (database versions not stated): gnomAD exomes below 0.00001; TOPMed 0.00001.
gnomAD v4.1: 3 of 1,614,012 alleles (0.00019%); highest among the groups gnomAD compares: Admixed American, 0.0017%; no homozygotes.

Submissions (2):

Labcorp Genetics (formerly Invitae), Labcorp
Classification: Uncertain significance. Last evaluated: 2025-04-21. Review status: criteria provided, single submitter. Criteria: Invitae Variant Classification Sherloc (09022015). Collection method: clinical testing. Allele origin: germline.
Comment: This sequence change replaces arginine, which is basic and polar, with tryptophan, which is neutral and slightly polar, at codon 548 of the CTNNA1 protein (p.Arg548Trp). This variant is present in population databases (no rsID available, gnomAD 0.003%). This variant has not been reported in the literature in individuals affected with CTNNA1-related conditions. ClinVar contains an entry for this variant (Variation ID: 1018825). Invitae Evidence Modeling of protein sequence and biophysical properties (such as structural, functional, and spatial information, amino acid conservation, physicochemical variation, residue mobility, and thermodynamic stability) indicates that this missense variant is expected to disrupt CTNNA1 protein function with a positive predictive value of 80%. In summary, the available evidence is currently insufficient to determine the role of this variant in disease. Therefore, it has been classified as a Variant of Uncertain Significance.

Ambry Genetics
Classification: Uncertain significance for Hereditary cancer-predisposing syndrome. Last evaluated: 2024-10-09. Review status: criteria provided, single submitter. Criteria: Ambry Variant Classification Scheme 2023. Collection method: clinical testing. Allele origin: germline.

NM_001903.5(CTNNA1):c.1642C>T (p.Arg548Trp)

Gene: CTNNA1 (catenin alpha 1; plus strand). Cytogenetic location: 5q31.2.
Variant type: single nucleotide variant.
Coding change: c.1642C>T on transcript NM_001903.5 (MANE Select); coding-DNA position 1642, C replaced by T.
Protein change: p.Arg548Trp; replaces arginine 548 with tryptophan.
Molecular consequence: missense variant.
Genome position (GRCh38, 1-based): chr5:138,924,605, C>T. VCF-style: chr5-138924605-C-T. GRCh37 (hg19) VCF-style: chr5-138260294-C-T.
Other names: c.1642C>T, p.Arg548Trp (NM_001290307.3, NM_001323982.2, NM_001323983.1 and 2 more transcripts); c.1333C>T, p.Arg445Trp (NM_001290309.3); c.1273C>T, p.Arg425Trp (NM_001290310.3); c.532C>T, p.Arg178Trp (NM_001290312.1, NM_001323987.1, NM_001323988.1 and 17 more transcripts); c.1549C>T, p.Arg517Trp (NM_001323986.2); c.193C>T, p.Arg65Trp (NM_001324006.1, NM_001324007.1, NM_001324008.1 and 2 more transcripts); c.439C>T, p.Arg147Trp (NM_001324011.1); c.289C>T, p.Arg97Trp (NM_001324012.1, NM_001324013.1); and 1 more; short protein forms R147W, R178W, R425W, R445W, R517W, R548W, R65W, R97W.
Identifiers: ClinVar variation 1018825 (VCV001018825.10), dbSNP rs1252185833, ClinGen allele CA361131882.